The following is an entry in ClinVar:

NM_014264.5(PLK4):c.1261_1264del (p.Ser421fs)

Gene: PLK4 (polo like kinase 4; plus strand). Cytogenetic location: 4q28.1.
Variant type: Deletion.
Coding change: c.1261_1264del on transcript NM_014264.5 (MANE Select); coding-DNA positions 1261 to 1264, 4 bases deleted (TCAC; older notation c.1261_1264delTCAC).
Protein change: p.Ser421fs; shifts the reading frame from serine 421.
Molecular consequence: frameshift variant.
Genome position (GRCh38, 1-based): chr4:127,886,631-127,886,634, TCAC deleted; deleting any 4 consecutive bases within chr4:127,886,629-127,886,634 gives the same sequence; the c. name uses the placement nearest the transcript's 3' end. VCF-style (leftmost placement, unchanged base first): chr4-127886628-TACTC-T. GRCh37 (hg19) VCF-style: chr4-128807783-TACTC-T.
Other names: c.1165_1168del, p.Ser389fs (NM_001190799.2); c.1138_1141del, p.Ser380fs (NM_001190801.2); short protein forms S389fs, S421fs, S380fs.
Identifiers: ClinVar variation 2788633 (VCV002788633.3), dbSNP rs1306520020, ClinGen allele CA786910947.

ClinVar aggregate classification (germline): Pathogenic (1 of 4 stars; one submission).

Submission:

Labcorp Genetics (formerly Invitae), Labcorp
Classification: Pathogenic. Last evaluated: 2025-05-27. Review status: criteria provided, single submitter. Criteria: Invitae Variant Classification Sherloc (09022015). Collection method: clinical testing. Allele origin: germline.
Comment: This sequence change creates a premature translational stop signal (p.Ser421Profs*64) in the PLK4 gene. It is expected to result in an absent or disrupted protein product. Loss-of-function variants in PLK4 are known to be pathogenic (PMID: 25320347, 30842647). This variant is not present in population databases (gnomAD no frequency). This variant has not been reported in the literature in individuals affected with PLK4-related conditions. ClinVar contains an entry for this variant (Variation ID: 2788633). For these reasons, this variant has been classified as Pathogenic.

Literature cited by the submitters: PubMed 25320347; PubMed 30842647.